The following is an entry in ClinVar:

NM_000426.4(LAMA2):c.8377_8383del (p.Val2793fs)

Gene: LAMA2 (laminin subunit alpha 2; plus strand). Cytogenetic location: 6q22.33.
Variant type: Deletion.
Coding change: c.8377_8383del on transcript NM_000426.4 (MANE Select); coding-DNA positions 8377 to 8383, 7 bases deleted (GTAAGAA; older notation c.8377_8383delGTAAGAA).
Protein change: p.Val2793fs; shifts the reading frame from valine 2793.
Molecular consequence: frameshift variant.
Genome position (GRCh38, 1-based): chr6:129,503,110-129,503,116, GTAAGAA deleted; deleting any 7 consecutive bases within chr6:129,503,107-129,503,116 gives the same sequence; the c. name uses the placement nearest the transcript's 3' end. VCF-style (leftmost placement, unchanged base first): chr6-129503106-GGAAGTAA-G. GRCh37 (hg19) VCF-style: chr6-129824251-GGAAGTAA-G.
Other names: c.8365_8371del, p.Val2789fs (NM_001079823.2); short protein forms V2789fs, V2793fs.
Identifiers: ClinVar variation 1725935 (VCV001725935.3), dbSNP rs2533537963, ClinGen allele CA2580075013.

ClinVar aggregate classification (germline): Likely pathogenic (1 of 4 stars; one submission).

Conditions:
LAMA2-related muscular dystrophy (LAMA2-RD). Also called: Laminin alpha 2-related dystrophy. Identifiers: MedGen C5679788, MONDO:0100228.

Submission:

Myriad Genetics, Inc.
Classification: Likely pathogenic for LAMA2-related muscular dystrophy. Last evaluated: 2022-04-18. Review status: criteria provided, single submitter. Criteria: Myriad Autosomal Dominant, Autosomal Recessive and X-Linked Classification Criteria (2023). Collection method: clinical testing. Allele origin: unknown.
Comment: NM_000426.3(LAMA2):c.8377_8383del7(V2793Pfs*24) is expected to be pathogenic in the context of muscular dystrophy, LAMA2-related. This variant is predicted to lead to an abnormal or absent protein product due to the creation of a premature termination codon in LAMA2, a gene where loss-of-function variants are known to be pathogenic. Please note: this variant was assessed in the context of healthy population screening.